The following is an entry in ClinVar:

ClinVar aggregate classification (germline): Uncertain significance. Review status: criteria provided, multiple submitters, no conflicts (2 of 4 stars). 2 submissions from 2 submitters: Uncertain significance (2). Last evaluated 2024-10-11.

Conditions:
Progressive myoclonic epilepsy. Also called: Myoclonic Epilepsies, Progressive; Progressive myoclonus epilepsy; Familial progressive myoclonic epilepsy; Myoclonus epilepsy. Identifiers: Orphanet 308, Orphanet 98261, MedGen C0751778, MONDO:0020074.
Inborn genetic diseases. Identifiers: MedGen C0950123, MeSH D030342.

Allele frequency attached by ClinVar (database versions not stated): gnomAD 0.00001 and 0.00002; gnomAD exomes 0.00001 and 0.00002; ExAC 0.00002; TOPMed 0.00004.
gnomAD v4.1: 32 of 1,562,206 alleles (0.002%); highest among the groups gnomAD compares: Admixed American, 0.0033%; no homozygotes.

Submissions (2):

Ambry Genetics
Classification: Uncertain significance for Inborn genetic diseases. Last evaluated: 2024-10-11. Review status: criteria provided, single submitter. Criteria: Ambry Variant Classification Scheme 2023. Collection method: clinical testing. Allele origin: germline.

Labcorp Genetics (formerly Invitae), Labcorp
Classification: Uncertain significance for Progressive myoclonic epilepsy. Last evaluated: 2022-07-30. Review status: criteria provided, single submitter. Criteria: Invitae Variant Classification Sherloc (09022015). Collection method: clinical testing. Allele origin: germline.
Comment: This sequence change replaces glutamic acid, which is acidic and polar, with glycine, which is neutral and non-polar, at codon 23 of the GOSR2 protein (p.Glu23Gly). This variant is present in population databases (rs200071814, gnomAD 0.002%). This variant has not been reported in the literature in individuals affected with GOSR2-related conditions. ClinVar contains an entry for this variant (Variation ID: 405438). Algorithms developed to predict the effect of missense changes on protein structure and function are either unavailable or do not agree on the potential impact of this missense change (SIFT: "Deleterious"; PolyPhen-2: "Probably Damaging"; Align-GVGD: "Class C0"). In summary, the available evidence is currently insufficient to determine the role of this variant in disease. Therefore, it has been classified as a Variant of Uncertain Significance.

NM_004287.5(GOSR2):c.68A>G (p.Glu23Gly)

Genes: LRRC37A2 (leucine rich repeat containing 37 member A2), GOSR2 (golgi SNAP receptor complex member 2; plus strand). Cytogenetic location: 17q21.32.
Variant type: single nucleotide variant.
Coding change: c.68A>G on transcript NM_004287.5 (MANE Select); coding-DNA position 68, A replaced by G.
Protein change: p.Glu23Gly; replaces glutamic acid 23 with glycine.
Molecular consequence: missense variant. On other transcripts: non-coding transcript variant (3).
Genome position (GRCh38, 1-based): chr17:46,929,558, A>G. VCF-style: chr17-46929558-A-G. GRCh37 (hg19) VCF-style: chr17-45006924-A-G.
Other names: c.68A>G, p.Glu23Gly (NM_001012511.3, NM_001321133.2, NM_001330252.2 and 4 more transcripts); c.14A>G, p.Glu5Gly (NM_001321134.2, NM_001363851.2); short protein forms E23G, E5G.
Identifiers: ClinVar variation 405438 (VCV000405438.10), dbSNP rs200071814, ClinGen allele CA8621129.